The following is an entry in ClinVar:

NM_001905.4(CTPS1):c.1268A>G (p.Glu423Gly)

Gene: CTPS1 (CTP synthase 1; plus strand). Cytogenetic location: 1p34.2.
Variant type: single nucleotide variant.
Coding change: c.1268A>G on transcript NM_001905.4 (MANE Select); coding-DNA position 1268, A replaced by G.
Protein change: p.Glu423Gly; replaces glutamic acid 423 with glycine.
Molecular consequence: missense variant. On other transcripts: non-coding transcript variant (1).
Genome position (GRCh38, 1-based): chr1:41,006,066, A>G. VCF-style: chr1-41006066-A-G. GRCh37 (hg19) VCF-style: chr1-41471738-A-G.
Other names: c.800A>G, p.Glu267Gly (NM_001301237.2); short protein forms E267G, E423G.
Identifiers: ClinVar variation 2128933 (VCV002128933.4), dbSNP rs2524347995, ClinGen allele CA339905778.
Genomic context (GRCh38, chr1:41,006,066, plus strand): 5'-CTTTCGTTTGTAACTATTTTCATAACAAGTATTTTGGTATTTCAGATGCCAATTCTACAG[A>G]GTTTGACCCTACGACCAGTCATCCCGTGGTGAGTCAAGTGTTTGAACCTCCACAGGGCTT-3'
Protein context (NP_001896.2, residues 413-433): VLGWQDANST[Glu423Gly]FDPTTSHPVV

ClinVar aggregate classification (germline): Uncertain significance (1 of 4 stars; one submission).

Conditions:
Combined immunodeficiency due to CTPS1 deficiency. Also called: Immunodeficiency 24; Severe combined immunodeficiency due to CTPS1 deficiency. Identifiers: Orphanet 420573, MedGen C4014617, MONDO:0014391, OMIM 615897.

Submission:

Labcorp Genetics (formerly Invitae), Labcorp
Classification: Uncertain significance for Combined immunodeficiency due to CTPS1 deficiency. Last evaluated: 2022-04-21. Review status: criteria provided, single submitter. Criteria: Invitae Variant Classification Sherloc (09022015). Collection method: clinical testing. Allele origin: germline.
Comment: This sequence change replaces glutamic acid, which is acidic and polar, with glycine, which is neutral and non-polar, at codon 423 of the CTPS1 protein (p.Glu423Gly). This variant is not present in population databases (gnomAD no frequency). This variant has not been reported in the literature in individuals affected with CTPS1-related conditions. Algorithms developed to predict the effect of missense changes on protein structure and function (SIFT, PolyPhen-2, Align-GVGD) all suggest that this variant is likely to be disruptive. In summary, the available evidence is currently insufficient to determine the role of this variant in disease. Therefore, it has been classified as a Variant of Uncertain Significance.